The following is an entry in ClinVar:

ClinVar aggregate classification (germline): Uncertain significance (1 of 4 stars; one submission).

Conditions:
Nemaline myopathy 10 (NEM10). Identifiers: MedGen C4015360, MONDO:0014513, OMIM 616165.

Submission:

Labcorp Genetics (formerly Invitae), Labcorp
Classification: Uncertain significance for Nemaline myopathy 10. Last evaluated: 2019-07-15. Review status: criteria provided, single submitter. Criteria: Invitae Variant Classification Sherloc (09022015). Collection method: clinical testing. Allele origin: germline.
Comment: This sequence change replaces leucine with serine at codon 420 of the LMOD3 protein (p.Leu420Ser). The leucine residue is highly conserved and there is a large physicochemical difference between leucine and serine. This variant is not present in population databases (ExAC no frequency). This variant has not been reported in the literature in individuals with LMOD3-related disease. ClinVar contains an entry for this variant (Variation ID: 475299). Algorithms developed to predict the effect of missense changes on protein structure and function (SIFT, PolyPhen-2, Align-GVGD) all suggest that this variant is likely to be disruptive, but these predictions have not been confirmed by published functional studies and their clinical significance is uncertain. In summary, the available evidence is currently insufficient to determine the role of this variant in disease. Therefore, it has been classified as a Variant of Uncertain Significance.

NM_198271.5(LMOD3):c.1259T>C (p.Leu420Ser)

Gene: LMOD3 (leiomodin 3; minus strand). Cytogenetic location: 3p14.1.
Variant type: single nucleotide variant.
Coding change: c.1259T>C on transcript NM_198271.5 (MANE Select); coding-DNA position 1259, T replaced by C.
Protein change: p.Leu420Ser; replaces leucine 420 with serine.
Molecular consequence: missense variant.
Genome position (GRCh38, 1-based): chr3:69,119,096, A>G on the plus strand (T>C on the coding strand, the complement: LMOD3 is on the minus strand). VCF-style: chr3-69119096-A-G. GRCh37 (hg19) VCF-style: chr3-69168247-A-G.
Other names: c.1259T>C, p.Leu420Ser (NM_001304418.3); short protein forms L420S.
Identifiers: ClinVar variation 475299 (VCV000475299.3), dbSNP rs1553687786, ClinGen allele CA353471884.